The following is an entry in ClinVar:

ClinVar aggregate classification (germline): Uncertain significance. Review status: criteria provided, multiple submitters, no conflicts (2 of 4 stars). 4 submissions from 4 submitters: Uncertain significance (3). 1 of the submissions does not count toward it. Last evaluated 2026-09-14.

Conditions:
Progressive familial heart block type IB (PFHB1B). Identifiers: Orphanet 871, MedGen C1970298, MONDO:0011474, OMIM 604559.
TRPM4-related disorder. Also called: TRPM4-related disorders; TRPM4-related condition. Identifiers: MedGen CN239424.
Cardiovascular phenotype. Identifiers: MedGen CN230736.

Allele frequency attached by ClinVar (database versions not stated): gnomAD 0.00022 and 0.00019; TOPMed 0.00027; gnomAD exomes 0.00006 and 0.00003; ExAC 0.00004; ESP Exome Variant Server 0.00008.
gnomAD v4.1: 73 of 1,613,880 alleles (0.0045%); highest among the groups gnomAD compares: African/African-American, 0.072%; no homozygotes.

Submissions (4):

GeneDx
Classification: Uncertain significance. Last evaluated: 2026-09-14. Review status: criteria provided, single submitter. Criteria: GeneDx Variant Classification Process June 2021. Collection method: clinical testing. Allele origin: germline.
Comment: In silico analysis supports that this missense variant has a deleterious effect on protein structure/function; This variant is associated with the following publications: (PMID: 39227362)

Labcorp Genetics (formerly Invitae), Labcorp
Classification: Uncertain significance for Progressive familial heart block type IB. Last evaluated: 2025-12-22. Review status: criteria provided, single submitter. Criteria: Invitae Variant Classification Sherloc (09022015). Collection method: clinical testing. Allele origin: germline.
Comment: This sequence change replaces tryptophan, which is neutral and slightly polar, with cysteine, which is neutral and slightly polar, at codon 940 of the TRPM4 protein (p.Trp940Cys). This variant is present in population databases (rs199905308, gnomAD 0.06%), and has an allele count higher than expected for a pathogenic variant. This variant has not been reported in the literature in individuals affected with TRPM4-related conditions. ClinVar contains an entry for this variant (Variation ID: 1320432). An algorithm developed to predict the effect of missense changes on protein structure and function (PolyPhen-2) suggests that this variant is likely to be disruptive. In summary, the available evidence is currently insufficient to determine the role of this variant in disease. Therefore, it has been classified as a Variant of Uncertain Significance.

Ambry Genetics
Classification: Uncertain significance for Cardiovascular phenotype. Last evaluated: 2024-05-02. Review status: criteria provided, single submitter. Criteria: Ambry Variant Classification Scheme 2023. Collection method: clinical testing. Allele origin: germline.
Comment: The p.W940C variant (also known as c.2820G>T), located in coding exon 19 of the TRPM4 gene, results from a G to T substitution at nucleotide position 2820. The tryptophan at codon 940 is replaced by cysteine, an amino acid with highly dissimilar properties. This amino acid position is highly conserved in available vertebrate species. In addition, this alteration is predicted to be deleterious by in silico analysis. Since supporting evidence is limited at this time, the clinical significance of this alteration remains unclear.

PreventionGenetics, part of Exact Sciences
Classification: Likely benign for TRPM4-related condition. Last evaluated: 2024-06-16. Review status: no assertion criteria provided. Collection method: clinical testing. Allele origin: germline. Not counted in ClinVar's aggregate classification.
Comment: This variant is classified as likely benign based on ACMG/AMP sequence variant interpretation guidelines (Richards et al. 2015 PMID: 25741868, with internal and published modifications).

NM_017636.4(TRPM4):c.2820G>T (p.Trp940Cys)

Gene: TRPM4 (transient receptor potential cation channel subfamily M member 4; plus strand). Cytogenetic location: 19q13.33.
Variant type: single nucleotide variant.
Coding change: c.2820G>T on transcript NM_017636.4 (MANE Select); coding-DNA position 2820, G replaced by T.
Protein change: p.Trp940Cys; replaces tryptophan 940 with cysteine.
Molecular consequence: missense variant.
Genome position (GRCh38, 1-based): chr19:49,200,652, G>T. VCF-style: chr19-49200652-G-T. GRCh37 (hg19) VCF-style: chr19-49703909-G-T.
Other names: c.2385G>T, p.Trp795Cys (NM_001195227.2); c.2475G>T, p.Trp825Cys (NM_001321281.2); c.1212G>T, p.Trp404Cys (NM_001321282.2); c.2298G>T, p.Trp766Cys (NM_001321283.2); c.1758G>T, p.Trp586Cys (NM_001321285.2); short protein forms W404C, W586C, W766C, W795C, W825C, W940C.
Identifiers: ClinVar variation 1320432 (VCV001320432.12), dbSNP rs199905308, ClinGen allele CA9569688.